The following is an entry in ClinVar:

NM_020821.3(VPS13C):c.2550T>A (p.Ile850=)

Gene: VPS13C (vacuolar protein sorting 13 homolog C; minus strand). Cytogenetic location: 15q22.2.
Variant type: single nucleotide variant.
Coding change: c.2550T>A on transcript NM_020821.3 (MANE Select); coding-DNA position 2550, T replaced by A.
Protein change: p.Ile850=; no amino-acid change (isoleucine 850 retained).
Molecular consequence: synonymous variant.
Genome position (GRCh38, 1-based): chr15:61,973,521, A>T on the plus strand (T>A on the coding strand, the complement: VPS13C is on the minus strand). VCF-style: chr15-61973521-A-T. GRCh37 (hg19) VCF-style: chr15-62265720-A-T.
Other names: c.2550T>A, p.Ile850= (NM_001018088.3); c.2421T>A, p.Ile807= (NM_017684.5, NM_018080.4).
Identifiers: ClinVar variation 3037077 (VCV003037077.2), dbSNP rs770982271, ClinGen allele CA7596674.

ClinVar aggregate classification (germline): Likely benign (0 of 4 stars; one submission).

Conditions:
VPS13C-related disorder. Also called: VPS13C-related condition.

Allele frequency attached by ClinVar (database versions not stated): ExAC 0.00001; gnomAD 0.00001; gnomAD exomes 0.00001; TOPMed 0.00002.
gnomAD v4.1: 17 of 1,612,012 alleles (0.0011%); highest among the groups gnomAD compares: Non-Finnish European, 0.00059%; no homozygotes.

Submission:

PreventionGenetics, part of Exact Sciences
Classification: Likely benign for VPS13C-related condition. Last evaluated: 2022-03-10. Review status: no assertion criteria provided. Collection method: clinical testing. Allele origin: germline.
Comment: This variant is classified as likely benign based on ACMG/AMP sequence variant interpretation guidelines (Richards et al. 2015 PMID: 25741868, with internal and published modifications).